The following is an entry in ClinVar:

NM_004304.5(ALK):c.286G>A (p.Ala96Thr)

Gene: ALK (ALK receptor tyrosine kinase; minus strand). Cytogenetic location: 2p23.1.
Variant type: single nucleotide variant.
Coding change: c.286G>A on transcript NM_004304.5 (MANE Select); coding-DNA position 286, G replaced by A.
Protein change: p.Ala96Thr; replaces alanine 96 with threonine.
Molecular consequence: missense variant.
Genome position (GRCh38, 1-based): chr2:29,920,374, C>T on the plus strand (G>A on the coding strand, the complement: ALK is on the minus strand). VCF-style: chr2-29920374-C-T. GRCh37 (hg19) VCF-style: chr2-30143240-C-T.
Other names: short protein forms A96T.
Identifiers: ClinVar variation 470810 (VCV000470810.7), dbSNP rs1057065255, ClinGen allele CA45004775.

ClinVar aggregate classification (germline): Uncertain significance. Review status: criteria provided, multiple submitters, no conflicts (2 of 4 stars). 3 submissions from 3 submitters: Uncertain significance (3). Last evaluated 2025-02-26.

Conditions:
Hereditary cancer-predisposing syndrome. Also called: Hereditary neoplastic syndrome; Neoplastic Syndromes, Hereditary; Tumor predisposition; Hereditary Cancer Syndrome. Identifiers: Orphanet 140162, MedGen C0027672, MeSH D009386, MONDO:0015356.
Neuroblastoma, susceptibility to, 3. Also called: ALK-Related Neuroblastic Tumor Susceptibility. Identifiers: Orphanet 635, MedGen C2751681, MONDO:0013083, OMIM 613014.

Allele frequency attached by ClinVar (database versions not stated): gnomAD 0.00001 and 0.00002; gnomAD exomes 0.00001; TOPMed 0.00002.
gnomAD v4.1: 5 of 1,558,948 alleles (0.00032%); highest among the groups gnomAD compares: African/African-American, 0.0041%; no homozygotes.

Submissions (3):

Labcorp Genetics (formerly Invitae), Labcorp
Classification: Uncertain significance for Neuroblastoma, susceptibility to, 3. Last evaluated: 2025-02-26. Review status: criteria provided, single submitter. Criteria: Invitae Variant Classification Sherloc (09022015). Collection method: clinical testing. Allele origin: germline.
Comment: This sequence change replaces alanine, which is neutral and non-polar, with threonine, which is neutral and polar, at codon 96 of the ALK protein (p.Ala96Thr). The frequency data for this variant in the population databases is considered unreliable, as metrics indicate poor data quality at this position in the gnomAD database. This variant has not been reported in the literature in individuals affected with ALK-related conditions. ClinVar contains an entry for this variant (Variation ID: 470810). An algorithm developed to predict the effect of missense changes on protein structure and function (PolyPhen-2) suggests that this variant is likely to be tolerated. In summary, the available evidence is currently insufficient to determine the role of this variant in disease. Therefore, it has been classified as a Variant of Uncertain Significance.

Ambry Genetics
Classification: Uncertain significance for Hereditary cancer-predisposing syndrome. Last evaluated: 2025-02-17. Review status: criteria provided, single submitter. Criteria: Ambry Variant Classification Scheme 2023. Collection method: clinical testing. Allele origin: germline.
Comment: The p.A96T variant (also known as c.286G>A), located in coding exon 1 of the ALK gene, results from a G to A substitution at nucleotide position 286. The alanine at codon 96 is replaced by threonine, an amino acid with similar properties. This amino acid position is conserved. In addition, this alteration is predicted to be tolerated by in silico analysis. Based on the available evidence, the clinical significance of this variant remains unclear.

GeneDx
Classification: Uncertain significance. Last evaluated: 2023-06-14. Review status: criteria provided, single submitter. Criteria: GeneDx Variant Classification Process June 2021. Collection method: clinical testing. Allele origin: germline. Affected: yes.
Comment: Not observed at significant frequency in large population cohorts (gnomAD); In silico analysis supports that this missense variant does not alter protein structure/function; Has not been previously published as pathogenic or benign to our knowledge